The following is an entry in ClinVar:

NM_000038.6(APC):c.511dup (p.Ser171fs)

Gene: APC (APC regulator of Wnt signaling pathway; plus strand). Cytogenetic location: 5q22.2.
Variant type: Duplication.
Coding change: c.511dup on transcript NM_000038.6 (MANE Select); coding-DNA position 511, one base duplicated (A; older notation c.511dupA).
Protein change: p.Ser171fs; shifts the reading frame from serine 171.
Molecular consequence: frameshift variant. On other transcripts: 5 prime UTR variant (4), non-coding transcript variant (2).
Genome position (GRCh38, 1-based): chr5:112,775,717, A duplicated. VCF-style (leftmost placement, unchanged base first): chr5-112775716-T-TA. GRCh37 (hg19) VCF-style: chr5-112111413-T-TA.
Other names: c.510_511insA (NM_000038.6); c.511dup, p.Ser171fs (NM_001127510.3, NM_001354895.2, NM_001354896.2 and 16 more transcripts); c.541dup, p.Ser181fs (NM_001127511.3, NM_001354897.2, NM_001354902.2 and 1 more transcripts); c.436dup, p.Ser146fs (NM_001354898.2, NM_001354904.2, NM_001407451.1); c.334dup, p.Ser112fs (NM_001354900.2, NM_001354901.2, NM_001354905.2 and 1 more transcripts); c.-525dup (NM_001354906.2, NM_001407470.1, NM_001407471.1 and 1 more transcripts); short protein forms S112fs, S146fs, S171fs, S181fs.
Identifiers: ClinVar variation 2583950 (VCV002583950.1), dbSNP rs2532416106, ClinGen allele CA658760454.
Genomic context (GRCh38, chr5:112,775,716, plus strand): 5'-AGAAGAAAAGGAAAAAGACTGGTATTACGCTCAACTTCAGAATCTCACTAAAAGAATAGA[T>TA]AGTCTTCCTTTAACTGAAAATGTAAGTAACTTGGCAGTACAACTTATTTGAAACTTTAAT-3'

ClinVar aggregate classification (germline): Pathogenic. Review status: criteria provided, multiple submitters, no conflicts (2 of 4 stars). 2 submissions from 2 submitters: Pathogenic (2). Last evaluated 2023-04-26.

Conditions:
Familial adenomatous polyposis 1 (FAP1). Also called: FAMILIAL ADENOMATOUS POLYPOSIS 1, ATTENUATED; POLYPOSIS, ADENOMATOUS INTESTINAL. Identifiers: MedGen C2713442, MONDO:0021056, OMIM 175100. Disease mechanism: loss of function.
Classic or attenuated familial adenomatous polyposis. Identifiers: MedGen CN372698, MONDO:0021057.

Submissions (2):

Myriad Genetics, Inc.
Classification: Pathogenic for Familial adenomatous polyposis 1. Last evaluated: 2023-04-26. Review status: criteria provided, single submitter. Criteria: Myriad Autosomal Dominant, Autosomal Recessive and X-Linked Classification Criteria (2023). Collection method: clinical testing. Allele origin: unknown.
Comment: This variant is considered pathogenic. This variant creates a frameshift predicted to result in premature protein truncation.

Dipartimento Di Medicina Di Precisione, Università Degli Studi Della Campania Luigi Vanvitelli
Classification: Pathogenic for Classic or attenuated familial adenomatous polyposis. Review status: criteria provided, single submitter. Criteria: ACMG Guidelines, 2015. Collection method: clinical testing. Allele origin: germline. Inheritance: Autosomal dominant inheritance. Affected: yes. Observed: 1 heterozygote.
Comment: This variant is a frameshift insertion in APC, resulting in a premature stop codon (p.Ser171Lysfs*6), predicted to result in loss of function. It is absent in population databases (e.g., gnomAD).

Literature cited by the submitters: PubMed 29954149 (cited by Dipartimento Di Medicina Di Precisione, Università Degli Studi Della Campania Luigi Vanvitelli).